The following is an entry in ClinVar:

NM_024529.5(CDC73):c.461C>T (p.Ala154Val)

Gene: CDC73 (cell division cycle 73; plus strand). Cytogenetic location: 1q31.2.
Variant type: single nucleotide variant.
Coding change: c.461C>T on transcript NM_024529.5 (MANE Select); coding-DNA position 461, C replaced by T.
Protein change: p.Ala154Val; replaces alanine 154 with valine.
Molecular consequence: missense variant.
Genome position (GRCh38, 1-based): chr1:193,138,122, C>T. VCF-style: chr1-193138122-C-T. GRCh37 (hg19) VCF-style: chr1-193107252-C-T.
Other names: short protein forms A154V.
Identifiers: ClinVar variation 3664232 (VCV003664232.2).
Genomic context (GRCh38, chr1:193,138,122, plus strand): 5'-CATTAACCAGTGGTTATTTCCAGGATGAAGAGTGTGTGCGCCTTGATAAAGAGAGATTGG[C>T]TGCCCGTTTGGAGGGTCACAAAGAAGGGATTGTACAGACTGAACAGATTAGGTAAGAATT-3'
Protein context (NP_078805.3, residues 144-164): ECVRLDKERL[Ala154Val]ARLEGHKEGI

ClinVar aggregate classification (germline): Uncertain significance (1 of 4 stars; one submission).

Conditions:
Parathyroid carcinoma (PRTC). Also called: CDC73-Related Parathyroid Carcinoma; Parathyroid gland carcinoma. Identifiers: Orphanet 143, MedGen C0687150, MONDO:0012004, OMIM 608266, HP:0006780.

gnomAD v4.1: 1 of 1,613,594 alleles (0.000062%); no homozygotes.

Submission:

Labcorp Genetics (formerly Invitae), Labcorp
Classification: Uncertain significance for Parathyroid carcinoma. Last evaluated: 2024-09-02. Review status: criteria provided, single submitter. Criteria: Invitae Variant Classification Sherloc (09022015). Collection method: clinical testing. Allele origin: germline.
Comment: This sequence change replaces alanine, which is neutral and non-polar, with valine, which is neutral and non-polar, at codon 154 of the CDC73 protein (p.Ala154Val). This variant is not present in population databases (gnomAD no frequency). This variant has not been reported in the literature in individuals affected with CDC73-related conditions. Invitae Evidence Modeling of protein sequence and biophysical properties (such as structural, functional, and spatial information, amino acid conservation, physicochemical variation, residue mobility, and thermodynamic stability) indicates that this missense variant is not expected to disrupt CDC73 protein function with a negative predictive value of 80%. In summary, the available evidence is currently insufficient to determine the role of this variant in disease. Therefore, it has been classified as a Variant of Uncertain Significance.